The following is an entry in ClinVar:

ClinVar aggregate classification (germline): Uncertain significance. Review status: criteria provided, multiple submitters, no conflicts (2 of 4 stars). 2 submissions from 2 submitters: Uncertain significance (2). Last evaluated 2023-08-19.

Conditions:
SAMD14-related disorder. Also called: SAMD14-related condition.

Allele frequency attached by ClinVar (database versions not stated): gnomAD exomes 0.00001; TOPMed 0.00001.
gnomAD v4.1: 4 of 1,528,710 alleles (0.00026%); highest among the groups gnomAD compares: South Asian, 0.0012%; no homozygotes.

Submissions (2):

PreventionGenetics, part of Exact Sciences
Classification: Uncertain significance for SAMD14-related condition. Last evaluated: 2023-08-19. Review status: criteria provided, single submitter. Criteria: ACMG Guidelines, 2015. Collection method: clinical testing. Allele origin: germline.
Comment: The SAMD14 c.379A>C variant is predicted to result in the amino acid substitution p.Asn127His. To our knowledge, this variant has not been reported in the literature or in a large population database, indicating this variant is rare. At this time, the clinical significance of this variant is uncertain due to the absence of conclusive functional and genetic evidence.

Ambry Genetics
Classification: Uncertain significance. Last evaluated: 2022-11-10. Review status: criteria provided, single submitter. Criteria: Ambry Variant Classification Scheme 2023. Collection method: clinical testing. Allele origin: germline.

NM_001257359.2(SAMD14):c.379A>C (p.Asn127His)

Genes: SAMD14 (sterile alpha motif domain containing 14; minus strand), LOC130061143 (ATAC-STARR-seq lymphoblastoid silent region 8680; plus strand). Cytogenetic location: 17q21.33.
Variant type: single nucleotide variant.
Coding change: c.379A>C on transcript NM_001257359.2 (MANE Select); coding-DNA position 379, A replaced by C.
Protein change: p.Asn127His; replaces asparagine 127 with histidine.
Molecular consequence: missense variant.
Genome position (GRCh38, 1-based): chr17:50,117,527, T>G on the plus strand (A>C on the coding strand, the complement: SAMD14 is on the minus strand). VCF-style: chr17-50117527-T-G. GRCh37 (hg19) VCF-style: chr17-48194891-T-G.
Other names: c.379A>C, p.Asn127His (NM_174920.4); c.379A>C (NM_174920.3); short protein forms N127H.
Identifiers: ClinVar variation 2325932 (VCV002325932.3), dbSNP rs961357116, ClinGen allele CA291535434.
Genomic context (GRCh38, chr17:50,117,527, plus strand): 5'-AGGGCGCGGAGCGCGGCGGAGAGCAGGAGGCGGCGGCCAGGCCCTCGTGCGACGCAGCGT[T>G]GTGCAGGGGCCGGTAGCGTGTGAGCGGCGAGGGCGGCGGCTCGTCCTCGTCCAGGCTGCG-3'
Protein context (NP_001244288.1, residues 117-137): SPLTRYRPLH[Asn127His]AASHEGLAAA